The following is an entry in ClinVar:

NM_000318.3(PEX2):c.659T>G (p.Leu220Arg)

Gene: PEX2 (peroxisomal biogenesis factor 2; minus strand). Cytogenetic location: 8q21.13.
Variant type: single nucleotide variant.
Coding change: c.659T>G on transcript NM_000318.3 (MANE Select); coding-DNA position 659, T replaced by G.
Protein change: p.Leu220Arg; replaces leucine 220 with arginine.
Molecular consequence: missense variant.
Genome position (GRCh38, 1-based): chr8:76,983,520, A>C on the plus strand (T>G on the coding strand, the complement: PEX2 is on the minus strand). VCF-style: chr8-76983520-A-C. GRCh37 (hg19) VCF-style: chr8-77895756-A-C.
Other names: c.659T>G, p.Leu220Arg (NM_001079867.2, NM_001172086.2, NM_001172087.2); c.659T>G (NM_000318.2); short protein forms L220R.
Identifiers: ClinVar variation 1417143 (VCV001417143.7), dbSNP rs773085309, ClinGen allele CA4788670.

ClinVar aggregate classification (germline): Uncertain significance. Review status: criteria provided, multiple submitters, no conflicts (2 of 4 stars). 3 submissions from 3 submitters: Uncertain significance (3). Last evaluated 2025-02-13.

Conditions:
Inborn genetic diseases. Identifiers: MedGen C0950123, MeSH D030342.
Peroxisome biogenesis disorder 5A (Zellweger) (PBD5A). Identifiers: Orphanet 912, MedGen C3553940, MONDO:0013932, OMIM 614866.

Allele frequency attached by ClinVar (database versions not stated): gnomAD exomes 0.00001; TOPMed 0.00001; ExAC 0.00002; gnomAD 0.00002.
gnomAD v4.1: 14 of 1,613,998 alleles (0.00087%); highest among the groups gnomAD compares: Non-Finnish European, 0.0011%; no homozygotes.

Submissions (3):

Ambry Genetics
Classification: Uncertain significance for Inborn genetic diseases. Last evaluated: 2025-02-13. Review status: criteria provided, single submitter. Criteria: Ambry Variant Classification Scheme 2023. Collection method: clinical testing. Allele origin: germline.

Blueprint Genetics
Classification: Uncertain significance. Last evaluated: 2023-06-08. Review status: criteria provided, single submitter. Criteria: ACMG Guidelines, 2015. Collection method: clinical testing. Allele origin: germline.

Labcorp Genetics (formerly Invitae), Labcorp
Classification: Uncertain significance for Peroxisome biogenesis disorder 5A (Zellweger). Last evaluated: 2021-09-24. Review status: criteria provided, single submitter. Criteria: Invitae Variant Classification Sherloc (09022015). Collection method: clinical testing. Allele origin: germline.
Comment: This sequence change replaces leucine with arginine at codon 220 of the PEX2 protein (p.Leu220Arg). The leucine residue is moderately conserved and there is a moderate physicochemical difference between leucine and arginine. This variant is present in population databases (rs773085309, ExAC 0.003%). This variant has not been reported in the literature in individuals with PEX2-related conditions. Algorithms developed to predict the effect of missense changes on protein structure and function are either unavailable or do not agree on the potential impact of this missense change (SIFT: "Deleterious"; PolyPhen-2: "Possibly Damaging"; Align-GVGD: "Class C0"). In summary, the available evidence is currently insufficient to determine the role of this variant in disease. Therefore, it has been classified as a Variant of Uncertain Significance.